The following is an entry in ClinVar:

NM_025132.4(WDR19):c.2589T>G (p.Tyr863Ter)

Gene: WDR19 (WD repeat domain 19; plus strand). Cytogenetic location: 4p14.
Variant type: single nucleotide variant.
Coding change: c.2589T>G on transcript NM_025132.4 (MANE Select); coding-DNA position 2589, T replaced by G.
Protein change: p.Tyr863Ter; replaces tyrosine 863 with a stop codon.
Molecular consequence: nonsense.
Genome position (GRCh38, 1-based): chr4:39,244,496, T>G. VCF-style: chr4-39244496-T-G. GRCh37 (hg19) VCF-style: chr4-39246116-T-G.
Other names: c.2109T>G, p.Tyr703Ter (NM_001317924.2); short protein forms Y863*, Y703*.
Identifiers: ClinVar variation 2090526 (VCV002090526.4), dbSNP rs2475270352, ClinGen allele CA356638419.

ClinVar aggregate classification (germline): Pathogenic (1 of 4 stars; one submission).

Conditions:
Senior-Loken syndrome 8 (SLSN8). Identifiers: Orphanet 3156, MedGen C4225376, MONDO:0014579, OMIM 616307.
Asphyxiating thoracic dystrophy 5 (SRTD5). Also called: SHORT-RIB THORACIC DYSPLASIA 5 WITH OR WITHOUT POLYDACTYLY; SHORT-RIB THORACIC DYSPLASIA 5 WITHOUT POLYDACTYLY. Identifiers: Orphanet 474, MedGen C3280598, MONDO:0013717, OMIM 614376.

Submission:

Labcorp Genetics (formerly Invitae), Labcorp
Classification: Pathogenic for Senior-Loken syndrome 8; Asphyxiating thoracic dystrophy 5. Last evaluated: 2022-01-28. Review status: criteria provided, single submitter. Criteria: Invitae Variant Classification Sherloc (09022015). Collection method: clinical testing. Allele origin: germline.
Comment: For these reasons, this variant has been classified as Pathogenic. Algorithms developed to predict the effect of sequence changes on RNA splicing suggest that this variant may create or strengthen a splice site. This variant has not been reported in the literature in individuals affected with WDR19-related conditions. This variant is not present in population databases (gnomAD no frequency). This sequence change creates a premature translational stop signal (p.Tyr863*) in the WDR19 gene. It is expected to result in an absent or disrupted protein product. Loss-of-function variants in WDR19 are known to be pathogenic (PMID: 22019273, 23559409, 23683095, 26275793, 27241786, 29068549).

Literature cited by the submitters: PubMed 22019273; PubMed 23559409; PubMed 23683095; PubMed 26275793; PubMed 27241786; PubMed 29068549.